The following is an entry in ClinVar:

ClinVar aggregate classification (germline): Uncertain significance (1 of 4 stars; one submission).

gnomAD v4.1: 1 of 1,614,050 alleles (0.000062%); highest among the groups gnomAD compares: Non-Finnish European, 0.000085%; no homozygotes.

Submission:

GeneDx
Classification: Uncertain significance. Last evaluated: 2024-12-10. Review status: criteria provided, single submitter. Criteria: GeneDx Variant Classification Process June 2021. Collection method: clinical testing. Allele origin: germline. Affected: yes.
Comment: Not observed at significant frequency in large population cohorts (gnomAD); In silico analysis supports that this missense variant has a deleterious effect on protein structure/function; Has not been previously published as pathogenic or benign to our knowledge; Occurs in the triple helical domain at the Y position in the canonical Gly-X-Y repeat; although this variant may have an effect on normal protein folding and function, missense substitution at the Y position is not a common mechanism of disease

NM_001845.6(COL4A1):c.2200C>G (p.Pro734Ala)

Gene: COL4A1 (collagen type IV alpha 1 chain; minus strand). Cytogenetic location: 13q34.
Variant type: single nucleotide variant.
Coding change: c.2200C>G on transcript NM_001845.6 (MANE Select); coding-DNA position 2200, C replaced by G.
Protein change: p.Pro734Ala; replaces proline 734 with alanine.
Molecular consequence: missense variant.
Genome position (GRCh38, 1-based): chr13:110,179,415, G>C on the plus strand (C>G on the coding strand, the complement: COL4A1 is on the minus strand). VCF-style: chr13-110179415-G-C. GRCh37 (hg19) VCF-style: chr13-110831762-G-C.
Other names: short protein forms P734A.
Identifiers: ClinVar variation 3903400 (VCV003903400.1).